The following is an entry in ClinVar:

ClinVar aggregate classification (germline): Likely pathogenic (1 of 4 stars; one submission).

Conditions:
Syndromic X-linked intellectual disability Najm type (MICPCH). Also called: MENTAL RETARDATION, X-LINKED, SYNDROMIC, NAJM TYPE; Mental retardation and microcephaly with pontine and cerebellar hypoplasia; Intellectual Disability and Microcephaly with Pontine and Cerebellar Hypoplasia; Intellectual Disability and Microcephaly with Pontine and Cerebellar Hypoplasia (MICPCH); MICPCH SYNDROME; Intellectual developmental disorder and microcephaly with pontine and cerebellar hypoplasia. Identifiers: Orphanet 163937, MedGen C2677903, MONDO:0010417, OMIM 300749.

Submission:

Diagnostics Services (NGS), CSIR - Centre For Cellular And Molecular Biology
Classification: Likely pathogenic for Syndromic X-linked intellectual disability Najm type. Last evaluated: 2025-11-27. Review status: criteria provided, single submitter. Criteria: ACMG Guidelines, 2015. Collection method: clinical testing. Allele origin: unknown. Affected: yes. Observed: 1 variant allele, 1 heterozygote.
Comment: The c.612del variant is not present in publicly available population databases like 1000 Genomes, EVS, gnomAD, Indian Exome Database or our internal database. This variant has neither been published in literature nor reported to clinical databases like Human Genome Mutation Database (HGMD), ClinVar, or OMIM, in any affected individuals. In-silico pathogenicity prediction programs like MutationTaster2021, CADD, Franklin, Varsome, etc, predicted this variant to be likely deleterious. This variant causes a frameshift at the 205th amino acid position of the wild-type transcript, which creates a premature translational stop signal at the altered transcript, that may either result in translation of a truncated protein or cause nonsense-mediated decay of the mRNA.

NM_001367721.1(CASK):c.612del (p.Cys205fs)

Gene: CASK (calcium/calmodulin dependent serine protein kinase; minus strand). Cytogenetic location: Xp11.4.
Variant type: Deletion.
Coding change: c.612del on transcript NM_001367721.1 (MANE Select); coding-DNA position 612, one base deleted (G; older notation c.612delG).
Protein change: p.Cys205fs; shifts the reading frame from cysteine 205.
Molecular consequence: frameshift variant.
Genome position (GRCh38, 1-based): chrX:41,665,373, C deleted on the plus strand (G on the coding strand, the reverse complement: CASK is on the minus strand); the first of 5 consecutive C bases (chrX:41,665,373-41,665,377); deleting any one gives the same sequence. VCF-style (leftmost placement, unchanged base first): chrX-41665372-AC-A. GRCh37 (hg19) VCF-style: chrX-41524625-AC-A.
Other names: c.612del, p.Cys205fs (NM_001126054.3, NM_001126055.3, NM_001410745.1 and 1 more transcripts); short protein forms C205fs.
Identifiers: ClinVar variation 4533283 (VCV004533283.1).